The following is an entry in ClinVar:

ClinVar aggregate classification (germline): Uncertain significance (1 of 4 stars; one submission).

Conditions:
Cardiovascular phenotype. Identifiers: MedGen CN230736.

Submission:

Ambry Genetics
Classification: Uncertain significance for Cardiovascular phenotype. Last evaluated: 2026-08-29. Review status: criteria provided, single submitter. Criteria: Ambry Variant Classification Scheme 2023. Collection method: clinical testing. Allele origin: germline.
Comment: The p.P3484R variant (also known as c.10451C>G), located in coding exon 74 of the DMD gene, results from a C to G substitution at nucleotide position 10451. The proline at codon 3484 is replaced by arginine, an amino acid with dissimilar properties. This amino acid position is conserved. In addition, the in silico prediction for this alteration is inconclusive. Based on the available evidence, the clinical significance of this variant remains unclear.

NM_004006.3(DMD):c.10451C>G (p.Pro3484Arg)

Gene: DMD (dystrophin; minus strand). Cytogenetic location: Xp21.2.
Variant type: single nucleotide variant.
Coding change: c.10451C>G on transcript NM_004006.3 (MANE Select); coding-DNA position 10451, C replaced by G.
Protein change: p.Pro3484Arg; replaces proline 3484 with arginine.
Molecular consequence: missense variant. On other transcripts: intron variant (2).
Genome position (GRCh38, 1-based): chrX:31,169,545, G>C on the plus strand (C>G on the coding strand, the complement: DMD is on the minus strand). VCF-style: chrX-31169545-G-C. GRCh37 (hg19) VCF-style: chrX-31187662-G-C.
Other names: c.10427C>G, p.Pro3476Arg (NM_000109.4); c.10439C>G, p.Pro3480Arg (NM_004009.3); c.10082C>G, p.Pro3361Arg (NM_004010.3); c.6428C>G, p.Pro2143Arg (NM_004011.4); c.6419C>G, p.Pro2140Arg (NM_004012.4); c.3071C>G, p.Pro1024Arg (NM_004013.3, NM_004021.3); c.2264C>G, p.Pro755Arg (NM_004014.3); c.1247C>G, p.Pro416Arg (NM_004015.3, NM_004016.3); and 3 more; short protein forms P1024R, P2140R, P3361R, P3476R, P3480R, P3484R, P416R, P755R.
Identifiers: ClinVar variation 5035402 (VCV005035402.1).